The following is an entry in ClinVar:

NM_005475.3(SH2B3):c.1128G>C (p.Gln376His)

Gene: SH2B3 (SH2B adaptor protein 3; plus strand). Cytogenetic location: 12q24.12.
Variant type: single nucleotide variant.
Coding change: c.1128G>C on transcript NM_005475.3 (MANE Select); coding-DNA position 1128, G replaced by C.
Protein change: p.Gln376His; replaces glutamine 376 with histidine.
Molecular consequence: missense variant.
Genome position (GRCh38, 1-based): chr12:111,447,436, G>C. VCF-style: chr12-111447436-G-C. GRCh37 (hg19) VCF-style: chr12-111885240-G-C.
Other names: c.522G>C, p.Gln174His (NM_001291424.1); short protein forms Q174H, Q376H.
Identifiers: ClinVar variation 4826765 (VCV004826765.1).

ClinVar aggregate classification (germline): Uncertain significance (1 of 4 stars; one submission).

Conditions:
Inborn genetic diseases. Identifiers: MedGen C0950123, MeSH D030342.

Submission:

Ambry Genetics
Classification: Uncertain significance for Inborn genetic diseases. Last evaluated: 2026-02-23. Review status: criteria provided, single submitter. Criteria: Ambry Variant Classification Scheme 2023. Collection method: clinical testing. Allele origin: germline.
Comment: The p.Q376H variant (also known as c.1128G>C), located in coding exon 5 of the SH2B3 gene, results from a G to C substitution at nucleotide position 1128. The glutamine at codon 376 is replaced by histidine, an amino acid with highly similar properties. This amino acid position is conserved. In addition, the in silico prediction for this alteration is inconclusive. Based on the available evidence, the clinical significance of this variant remains unclear.